The following is an entry in ClinVar:

NM_005465.7(AKT3):c.734A>T (p.Glu245Val)

Gene: AKT3 (AKT serine/threonine kinase 3; minus strand). Cytogenetic location: 1q44.
Variant type: single nucleotide variant.
Coding change: c.734A>T on transcript NM_005465.7 (MANE Select); coding-DNA position 734, A replaced by T.
Protein change: p.Glu245Val; replaces glutamic acid 245 with valine.
Molecular consequence: missense variant.
Genome position (GRCh38, 1-based): chr1:243,573,011, T>A on the plus strand (A>T on the coding strand, the complement: AKT3 is on the minus strand). VCF-style: chr1-243573011-T-A. GRCh37 (hg19) VCF-style: chr1-243736313-T-A.
Other names: c.734A>T, p.Glu245Val (NM_001206729.2, NM_001370074.1, NM_181690.2); short protein forms E245V.
Identifiers: ClinVar variation 3257107 (VCV003257107.17).

ClinVar aggregate classification (germline): Uncertain significance (1 of 4 stars; one submission).

gnomAD v4.1: 1 of 1,613,432 alleles (0.000062%); highest among the groups gnomAD compares: Non-Finnish European, 0.000085%; no homozygotes.

Submission:

CeGaT Center for Human Genetics Tuebingen
Classification: Uncertain significance. Last evaluated: 2024-07-01. Review status: criteria provided, single submitter. Criteria: CeGaT Center For Human Genetics Tuebingen Variant Classification Criteria Version 2. Collection method: clinical testing. Allele origin: germline. Affected: yes. Observed: 1 variant allele.
Comment: AKT3: PM2, PP2, BP5